The following is an entry in ClinVar:

ClinVar aggregate classification (germline): Uncertain significance (1 of 4 stars; one submission).

Conditions:
MAPK3-related disorder. Also called: MAPK3-related condition.

Submission:

PreventionGenetics, part of Exact Sciences
Classification: Uncertain significance for MAPK3-related condition. Last evaluated: 2025-11-06. Review status: criteria provided, single submitter. Criteria: ACMG Guidelines, 2015. Collection method: clinical testing. Allele origin: germline.
Comment: The MAPK3 c.719C>T variant is predicted to result in the amino acid substitution p.Ser240Phe. To our knowledge, this variant has not been reported in the literature or in a large population database (gnomAD), indicating this variant is rare. At this time, the clinical significance of this variant is uncertain due to the absence of conclusive functional and genetic evidence.

NM_002746.3(MAPK3):c.719C>T (p.Ser240Phe)

Gene: MAPK3 (mitogen-activated protein kinase 3; minus strand). Cytogenetic location: 16p11.2.
Variant type: single nucleotide variant.
Coding change: c.719C>T on transcript NM_002746.3 (MANE Select); coding-DNA position 719, C replaced by T.
Protein change: p.Ser240Phe; replaces serine 240 with phenylalanine.
Molecular consequence: missense variant.
Genome position (GRCh38, 1-based): chr16:30,117,726, G>A on the plus strand (C>T on the coding strand, the complement: MAPK3 is on the minus strand). VCF-style: chr16-30117726-G-A. GRCh37 (hg19) VCF-style: chr16-30129047-G-A.
Other names: c.719C>T, p.Ser240Phe (NM_001040056.3, NM_001109891.2); short protein forms S240F.
Identifiers: ClinVar variation 4987925 (VCV004987925.1).